The following is an entry in ClinVar:

ClinVar aggregate classification (germline): Uncertain significance (1 of 4 stars; one submission).

Conditions:
Early-infantile DEE. Also called: Ohtahara syndrome; Early infantile epileptic encephalopathy; Early infantile epileptic encephalopathy with suppression bursts. Identifiers: Orphanet 1934, MedGen C0393706, MONDO:0800491.

Submission:

Labcorp Genetics (formerly Invitae), Labcorp
Classification: Uncertain significance for Early-infantile DEE. Last evaluated: 2023-10-16. Review status: criteria provided, single submitter. Criteria: Invitae Variant Classification Sherloc (09022015). Collection method: clinical testing. Allele origin: germline.
Comment: This sequence change replaces valine, which is neutral and non-polar, with leucine, which is neutral and non-polar, at codon 2454 of the SPTAN1 protein (p.Val2454Leu). This variant is not present in population databases (gnomAD no frequency). This variant has not been reported in the literature in individuals affected with SPTAN1-related conditions. Advanced modeling of protein sequence and biophysical properties (such as structural, functional, and spatial information, amino acid conservation, physicochemical variation, residue mobility, and thermodynamic stability) has been performed at Invitae for this missense variant, however the output from this modeling did not meet the statistical confidence thresholds required to predict the impact of this variant on SPTAN1 protein function. In summary, the available evidence is currently insufficient to determine the role of this variant in disease. Therefore, it has been classified as a Variant of Uncertain Significance.

NM_001130438.3(SPTAN1):c.7360G>C (p.Val2454Leu)

Gene: SPTAN1 (spectrin alpha, non-erythrocytic 1; plus strand). Cytogenetic location: 9q34.11.
Variant type: single nucleotide variant.
Coding change: c.7360G>C on transcript NM_001130438.3 (MANE Select); coding-DNA position 7360, G replaced by C.
Protein change: p.Val2454Leu; replaces valine 2454 with leucine.
Molecular consequence: missense variant.
Genome position (GRCh38, 1-based): chr9:128,633,260, G>C. VCF-style: chr9-128633260-G-C. GRCh37 (hg19) VCF-style: chr9-131395539-G-C.
Other names: c.7300G>C, p.Val2434Leu (NM_001363765.2, NM_001375314.2); c.7447G>C, p.Val2483Leu (NM_001375310.1); c.7360G>C, p.Val2454Leu (NM_001375311.2); c.7396G>C, p.Val2466Leu (NM_001375312.2); c.7342G>C, p.Val2448Leu (NM_001375313.1); c.7459G>C, p.Val2487Leu (NM_001375318.1); c.7345G>C, p.Val2449Leu (NM_003127.4); c.7285G>C, p.Val2429Leu (NM_001195532.2); and 1 more; short protein forms V2475L, V2454L, V2434L, V2429L, V2448L, V2449L, V2466L, V2483L.
Identifiers: ClinVar variation 2769042 (VCV002769042.3), dbSNP rs766616293, ClinGen allele CA375103626.
Genomic context (GRCh38, chr9:128,633,260, plus strand): 5'-ACCCCACAGAACCTGACCCGGGAACAAGCCGACTACTGCGTCTCCCACATGAAGCCCTAC[G>C]TGGACGGCAAGGGCCGCGAGCTCCCCACCGCGTTCGACTACGTGGAGTTCACCCGCTCGC-3'
Protein context (NP_001123910.1, residues 2444-2464): DYCVSHMKPY[Val2454Leu]DGKGRELPTA